The following is an entry in ClinVar:

ClinVar aggregate classification (germline): Likely benign. Review status: criteria provided, multiple submitters, no conflicts (2 of 4 stars). 2 submissions from 2 submitters: Likely benign (2). Last evaluated 2026-02-04.

Conditions:
POLD1-related polyposis and colorectal cancer syndrome (CRCS10). Also called: Colorectal cancer, susceptibility to, 10; Colorectal cancer 10; COLORECTAL CANCER, SUSCEPTIBILITY TO, ON CHROMOSOME 19q. Identifiers: Orphanet 220460, MedGen C2675481, MONDO:0012953, OMIM 612591.

Submissions (2):

Labcorp Genetics (formerly Invitae), Labcorp
Classification: Likely benign for POLD1-related polyposis and colorectal cancer syndrome. Last evaluated: 2026-02-04. Review status: criteria provided, single submitter. Criteria: Invitae Variant Classification Sherloc (09022015). Collection method: clinical testing. Allele origin: germline.

GeneDx
Classification: Likely benign. Last evaluated: 2016-04-12. Review status: criteria provided, single submitter. Criteria: GeneDx Variant Classification (06012015). Collection method: clinical testing. Allele origin: germline. Affected: yes.
Comment: This variant is considered likely benign or benign based on one or more of the following criteria: it is a conservative change, it occurs at a poorly conserved position in the protein, it is predicted to be benign by multiple in silico algorithms, and/or has population frequency not consistent with disease.

NM_002691.4(POLD1):c.1137+11C>T

Gene: POLD1 (DNA polymerase delta 1, catalytic subunit; plus strand). Cytogenetic location: 19q13.33.
Variant type: single nucleotide variant.
Coding change: c.1137+11C>T on transcript NM_002691.4 (MANE Select); 11 bases into the intron after coding-DNA position 1137, C replaced by T.
Molecular consequence: intron variant.
Genome position (GRCh38, 1-based): chr19:50,403,230, C>T. VCF-style: chr19-50403230-C-T. GRCh37 (hg19) VCF-style: chr19-50906487-C-T.
Other names: c.1137+11C>T (LRG_785t1, LRG_785t2, NM_001256849.1 and 1 more transcripts).
Identifiers: ClinVar variation 385535 (VCV000385535.8), dbSNP rs1057522252, ClinGen allele CA16608334.
Genomic context (GRCh38, chr19:50,403,230, plus strand): 5'-TCCTGGGTGCCAAGGTGCAGAGCTACGAGAAGGAGGAGGACCTGCTGCAGGTAGCTCTCG[C>T]TCCACGCCCCACACCATTTCCCGGGGTCCCCGCCAGCCTCCGCGTCCTGAGCCATCAGCT-3'